The following is an entry in ClinVar:

ClinVar aggregate classification (germline): Likely pathogenic. Review status: criteria provided, multiple submitters, no conflicts (2 of 4 stars). 2 submissions from 2 submitters: Likely pathogenic (2). Last evaluated 2025-10-29.

Conditions:
Telangiectasia, hereditary hemorrhagic, type 2 (HHT2). Also called: ACVRL1-Related Hereditary Hemorrhagic Telangiectasia; Telangiectasia, hereditary hemorrhagic, type II. Identifiers: Orphanet 774, MedGen C1838163, MONDO:0010880, OMIM 600376. Disease mechanism: loss of function.
Cardiovascular phenotype. Identifiers: MedGen CN230736.

Submissions (2):

Ambry Genetics
Classification: Likely pathogenic for Cardiovascular phenotype. Last evaluated: 2025-10-29. Review status: criteria provided, single submitter. Criteria: Ambry Variant Classification Scheme 2023. Collection method: clinical testing. Allele origin: germline.
Comment: The p.G350S variant (also known as c.1048G>A), located in coding exon 6 of the ACVRL1 gene, results from a G to A substitution at nucleotide position 1048. The amino acid change results in glycine to serine at codon 350, an amino acid with similar properties. This alteration has been reported in individuals with hereditary hemorrhagic telangiectasia (HHT) (Schulte C et al. Hum Mutat, 2005 Jun;25:595; Olivieri C et al. J Hum Genet, 2007 Sep;52:820-829; Lux A et al. Orphanet J Rare Dis, 2013 Jun;8:94; Ambry internal data). This variant is considered to be rare based on population cohorts in the Genome Aggregation Database (gnomAD). This amino acid position is highly conserved in available vertebrate species. In addition, this alteration is predicted to be deleterious by in silico analysis. Based on the majority of available evidence to date, this variant is likely to be pathogenic.

Labcorp Genetics (formerly Invitae), Labcorp
Classification: Likely pathogenic for Telangiectasia, hereditary hemorrhagic, type 2. Last evaluated: 2022-12-20. Review status: criteria provided, single submitter. Criteria: Invitae Variant Classification Sherloc (09022015). Collection method: clinical testing. Allele origin: germline.
Comment: This sequence change replaces glycine, which is neutral and non-polar, with serine, which is neutral and polar, at codon 350 of the ACVRL1 protein (p.Gly350Ser). This variant also falls at the last nucleotide of exon 7, which is part of the consensus splice site for this exon. This variant is not present in population databases (gnomAD no frequency). This missense change has been observed in individuals with clinical features of hereditary hemorrhagic telangiectasia (PMID: 15880681; Invitae). ClinVar contains an entry for this variant (Variation ID: 1776158). Algorithms developed to predict the effect of missense changes on protein structure and function (SIFT, PolyPhen-2, Align-GVGD) all suggest that this variant is likely to be disruptive. Variants that disrupt the consensus splice site are a relatively common cause of aberrant splicing (PMID: 17576681, 9536098). Algorithms developed to predict the effect of sequence changes on RNA splicing suggest that this variant may create or strengthen a splice site. This variant disrupts the c.1048G nucleotide in the ACVRL1 gene. Other variant(s) that disrupt this nucleotide have been determined to be pathogenic (PMID: 15517393, 17384219, 21158752). This suggests that this nucleotide is clinically significant, and that variants that disrupt this position are likely to be disease-causing. In summary, the currently available evidence indicates that the variant is pathogenic, but additional data are needed to prove that conclusively. Therefore, this variant has been classified as Likely Pathogenic.

Literature cited by the submitters: PubMed 15880681 (cited by Ambry Genetics and Labcorp Genetics (formerly Invitae), Labcorp); PubMed 17786384 (cited by Ambry Genetics); PubMed 23805858 (cited by Ambry Genetics); PubMed 17576681 (cited by Labcorp Genetics (formerly Invitae), Labcorp); PubMed 9536098 (cited by Labcorp Genetics (formerly Invitae), Labcorp); PubMed 15517393 (cited by Labcorp Genetics (formerly Invitae), Labcorp); PubMed 17384219 (cited by Labcorp Genetics (formerly Invitae), Labcorp); PubMed 21158752 (cited by Labcorp Genetics (formerly Invitae), Labcorp).

NM_000020.3(ACVRL1):c.1048G>A (p.Gly350Ser)

Gene: ACVRL1 (activin A receptor like type 1; plus strand). Cytogenetic location: 12q13.13.
Variant type: single nucleotide variant.
Coding change: c.1048G>A on transcript NM_000020.3 (MANE Select); coding-DNA position 1048, G replaced by A.
Protein change: p.Gly350Ser; replaces glycine 350 with serine.
Molecular consequence: missense variant.
Genome position (GRCh38, 1-based): chr12:51,915,500, G>A. VCF-style: chr12-51915500-G-A. GRCh37 (hg19) VCF-style: chr12-52309284-G-A.
Other names: c.1048G>A, p.Gly350Ser (NM_001077401.2, NM_001406487.1, NM_001406488.1 and 1 more transcripts); c.736G>A, p.Gly246Ser (NM_001406490.1, NM_001406491.1, NM_001406492.1 and 2 more transcripts); c.484G>A, p.Gly162Ser (NM_001406495.1); short protein forms G162S, G246S, G350S.
Identifiers: ClinVar variation 1776158 (VCV001776158.6), dbSNP rs1565594547, ClinGen allele CA384901863.